The following is an entry in ClinVar:

ClinVar aggregate classification (germline): Uncertain significance (1 of 4 stars; one submission).

Conditions:
Hereditary breast ovarian cancer syndrome. Also called: Hereditary breast and ovarian cancer; Hereditary breast and ovarian cancer syndrome; Breast and ovarian cancer; BRCA1- and BRCA2-Associated Hereditary Breast and Ovarian Cancer; Hereditary breast and ovarian cancer syndrome (HBOC); Hereditary breast and/or ovarian cancer syndrome. Identifiers: Orphanet 145, MedGen C0677776, MeSH D061325, MONDO:0003582. Disease mechanism: loss of function.

Submission:

Labcorp Genetics (formerly Invitae), Labcorp
Classification: Uncertain significance for Hereditary breast ovarian cancer syndrome. Last evaluated: 2023-05-31. Review status: criteria provided, single submitter. Criteria: Invitae Variant Classification Sherloc (09022015). Collection method: clinical testing. Allele origin: germline.
Comment: This variant has not been reported in the literature in individuals affected with BRCA1-related conditions. This variant is not present in population databases (gnomAD no frequency). This sequence change replaces lysine, which is basic and polar, with glutamic acid, which is acidic and polar, at codon 830 of the BRCA1 protein (p.Lys830Glu). Advanced modeling of protein sequence and biophysical properties (such as structural, functional, and spatial information, amino acid conservation, physicochemical variation, residue mobility, and thermodynamic stability) performed at Invitae indicates that this missense variant is not expected to disrupt BRCA1 protein function. In summary, the available evidence is currently insufficient to determine the role of this variant in disease. Therefore, it has been classified as a Variant of Uncertain Significance.

NM_007294.4(BRCA1):c.2488A>G (p.Lys830Glu)

Gene: BRCA1 (BRCA1 DNA repair associated; minus strand). Cytogenetic location: 17q21.31.
Variant type: single nucleotide variant.
Coding change: c.2488A>G on transcript NM_007294.4 (MANE Select); coding-DNA position 2488, A replaced by G.
Protein change: p.Lys830Glu; replaces lysine 830 with glutamic acid.
Molecular consequence: missense variant. On other transcripts: intron variant (137).
Genome position (GRCh38, 1-based): chr17:43,093,043, T>C on the plus strand (A>G on the coding strand, the complement: BRCA1 is on the minus strand). VCF-style: chr17-43093043-T-C. GRCh37 (hg19) VCF-style: chr17-41245060-T-C.
Other names: c.2224A>G, p.Lys742Glu (NM_001407927.1, NM_001407928.1, NM_001407929.1 and 9 more transcripts); c.2221A>G, p.Lys741Glu (NM_001407930.1, NM_001407931.1, NM_001407932.1 and 2 more transcripts); c.2365A>G, p.Lys789Glu (NM_001407937.1, NM_001407938.1, NM_001407939.1 and 19 more transcripts); c.2362A>G, p.Lys788Glu (NM_001407940.1, NM_001407941.1, NM_001407649.1 and 11 more transcripts); c.2347A>G, p.Lys783Glu (NM_001407942.1, NM_001407944.1, NM_001407945.1 and 29 more transcripts); c.2344A>G, p.Lys782Glu (NM_001407943.1, NM_001407964.1, NM_001407740.1 and 20 more transcripts); c.2155A>G, p.Lys719Glu (NM_001407946.1, NM_001407947.1, NM_001407948.1 and 6 more transcripts); c.2152A>G, p.Lys718Glu (NM_001407954.1, NM_001407955.1, NM_001407956.1 and 1 more transcripts); and 41 more; short protein forms K702E, K718E, K830E, K719E, K741E, K789E, K662E, K762E.
Identifiers: ClinVar variation 2752887 (VCV002752887.3), dbSNP rs1555589569, ClinGen allele CA10597025.